The following is an entry in ClinVar:

NM_006721.4(ADK):c.274-9G>T

Gene: ADK (adenosine kinase; plus strand). Cytogenetic location: 10q22.2.
Variant type: single nucleotide variant.
Coding change: c.274-9G>T on transcript NM_006721.4 (MANE Select); 9 bases into the intron before coding-DNA position 274, G replaced by T.
Molecular consequence: intron variant.
Genome position (GRCh38, 1-based): chr10:74,394,132, G>T. VCF-style: chr10-74394132-G-T. GRCh37 (hg19) VCF-style: chr10-76153890-G-T.
Other names: c.274-9G>T (NM_006721.3, NM_001369123.1, NM_001202450.2); c.223-9G>T (NM_001123.4, NM_001369124.1); c.169-9G>T (NM_001202449.2).
Identifiers: ClinVar variation 735726 (VCV000735726.10), dbSNP rs200027642, ClinGen allele CA5563928.

ClinVar aggregate classification (germline): Likely benign. Review status: criteria provided, multiple submitters, no conflicts (2 of 4 stars). 3 submissions from 3 submitters: Likely benign (3). Last evaluated 2026-01-19.

Conditions:
ADK-related disorder. Also called: ADK-related condition.
Adenosine kinase deficiency. Also called: Hypermethioninemia due to adenosine kinase deficiency; MENTAL RETARDATION, AUTOSOMAL RECESSIVE 8. Identifiers: Orphanet 289290, Orphanet 88616, MedGen C4706555, MONDO:0100255, OMIM 614300.

Allele frequency attached by ClinVar (database versions not stated): gnomAD exomes 0.00004 and 0.00011; ExAC 0.00019; 1000 Genomes Project 30x 0.00047; gnomAD 0.00054 and 0.00057; TOPMed 0.00059; 1000 Genomes Project 0.00060.
gnomAD v4.1: 148 of 1,613,804 alleles (0.0092%); highest among the groups gnomAD compares: African/African-American, 0.18%; no homozygotes.

Submissions (3):

Labcorp Genetics (formerly Invitae), Labcorp
Classification: Likely benign. Last evaluated: 2026-01-19. Review status: criteria provided, single submitter. Criteria: Invitae Variant Classification Sherloc (09022015). Collection method: clinical testing. Allele origin: germline.

PreventionGenetics, part of Exact Sciences
Classification: Likely benign for ADK-related condition. Last evaluated: 2025-12-20. Review status: criteria provided, single submitter. Criteria: ACMG Guidelines, 2015. Collection method: clinical testing. Allele origin: germline.
Comment: This variant is classified as likely benign based on ACMG/AMP sequence variant interpretation guidelines (Richards et al. 2015 PMID: 25741868, with internal and published modifications).

ARUP Laboratories, Molecular Genetics and Genomics, ARUP Laboratories
Classification: Likely benign for Adenosine kinase deficiency. Last evaluated: 2024-05-27. Review status: criteria provided, single submitter. Criteria: ARUP Molecular Germline Variant Investigation Process 2024. Collection method: clinical testing. Allele origin: germline.